The following is an entry in ClinVar:

NM_002878.4(RAD51D):c.85del (p.Val29fs)

Genes: RAD51L3-RFFL (RAD51L3-RFFL readthrough; minus strand), RAD51D (RAD51 paralog D; minus strand). Cytogenetic location: 17q12.
Variant type: Deletion.
Coding change: c.85del on transcript NM_002878.4 (MANE Select); coding-DNA position 85, one base deleted (G; older notation c.85delG).
Protein change: p.Val29fs; shifts the reading frame from valine 29.
Molecular consequence: frameshift variant. On other transcripts: non-coding transcript variant (2).
Genome position (GRCh38, 1-based): chr17:35,119,170, C deleted on the plus strand (G on the coding strand, the reverse complement: RAD51D is on the minus strand); the first of 2 consecutive C bases (chr17:35,119,170-35,119,171); deleting either gives the same sequence. VCF-style (leftmost placement, unchanged base first): chr17-35119169-AC-A. GRCh37 (hg19) VCF-style: chr17-33446188-AC-A.
Other names: c.85delG (NM_002878.3); c.85del, p.Val29fs (NM_001142571.2, NM_133629.3); short protein forms V29fs.
Identifiers: ClinVar variation 371921 (VCV000371921.14), dbSNP rs1057517586, ClinGen allele CA16042160.

ClinVar aggregate classification (germline): Pathogenic. Review status: criteria provided, multiple submitters, no conflicts (2 of 4 stars). 4 submissions from 4 submitters: Pathogenic (3). 1 of the submissions does not count toward it. Last evaluated 2024-08-05.

Conditions:
Hereditary cancer-predisposing syndrome. Also called: Tumor predisposition; Hereditary neoplastic syndrome; Neoplastic Syndromes, Hereditary; Hereditary Cancer Syndrome. Identifiers: Orphanet 140162, MedGen C0027672, MeSH D009386, MONDO:0015356.
Breast-ovarian cancer, familial, susceptibility to, 4. Identifiers: Orphanet 145, MedGen C3280345, MONDO:0013669, OMIM 614291.

Submissions (4):

Ambry Genetics
Classification: Pathogenic for Hereditary cancer-predisposing syndrome. Last evaluated: 2024-08-05. Review status: criteria provided, single submitter. Criteria: Ambry Variant Classification Scheme 2023. Collection method: clinical testing. Allele origin: germline.
Comment: The c.85delG pathogenic mutation, located in coding exon 2 of the RAD51D gene, results from a deletion of one nucleotide at nucleotide position 85, causing a translational frameshift with a predicted alternate stop codon (p.V29Wfs*11). This alteration is expected to result in loss of function by premature protein truncation or nonsense-mediated mRNA decay. As such, this alteration is interpreted as a disease-causing mutation.

Myriad Genetics, Inc.
Classification: Pathogenic for Breast-ovarian cancer, familial, susceptibility to, 4. Last evaluated: 2023-04-06. Review status: criteria provided, single submitter. Criteria: Myriad Autosomal Dominant, Autosomal Recessive and X-Linked Classification Criteria (2023). Collection method: clinical testing. Allele origin: unknown.
Comment: This variant is considered pathogenic. This variant creates a frameshift predicted to result in premature protein truncation.

Labcorp Genetics (formerly Invitae), Labcorp
Classification: Pathogenic for Breast-ovarian cancer, familial, susceptibility to, 4. Last evaluated: 2021-02-12. Review status: criteria provided, single submitter. Criteria: Invitae Variant Classification Sherloc (09022015). Collection method: clinical testing. Allele origin: germline.
Comment: For these reasons, this variant has been classified as Pathogenic. This variant has not been reported in the literature in individuals with RAD51D-related conditions. ClinVar contains an entry for this variant (Variation ID: 371921). This variant is not present in population databases (ExAC no frequency). This sequence change creates a premature translational stop signal (p.Val29Trpfs*11) in the RAD51D gene. It is expected to result in an absent or disrupted protein product. Loss-of-function variants in RAD51D are known to be pathogenic (PMID: 21822267).

Counsyl
Classification: Likely pathogenic for Breast-ovarian cancer, familial, susceptibility to, 4. Last evaluated: 2016-08-12. Review status: no assertion criteria provided. Collection method: clinical testing. Allele origin: unknown. Not counted in ClinVar's aggregate classification.

Literature cited by the submitters: PubMed 34887416 (cited by Ambry Genetics); PubMed 21822267 (cited by Labcorp Genetics (formerly Invitae), Labcorp).